The following is an entry in ClinVar:

NM_020822.3(KCNT1):c.1899G>A (p.Ser633=)

Gene: KCNT1 (potassium sodium-activated channel subfamily T member 1; plus strand). Cytogenetic location: 9q34.3.
Variant type: single nucleotide variant.
Coding change: c.1899G>A on transcript NM_020822.3 (MANE Select); coding-DNA position 1899, G replaced by A.
Protein change: p.Ser633=; no amino-acid change (serine 633 retained).
Molecular consequence: synonymous variant.
Genome position (GRCh38, 1-based): chr9:135,770,986, G>A. VCF-style: chr9-135770986-G-A. GRCh37 (hg19) VCF-style: chr9-138662832-G-A.
Other names: c.1764G>A, p.Ser588= (NM_001272003.2).
Identifiers: ClinVar variation 194882 (VCV000194882.59), dbSNP rs371135108, ClinGen allele CA241086.
Genomic context (GRCh38, chr9:135,770,986, plus strand): 5'-GCACATCCTGGCCGCCTCTGACACCTGCTTCTACATCAACATCACCAAGGAGGAGAACTC[G>A]GCCTTCATCTTCAAGCAGGAGGAGAAGCGGAAGAAGAGGGCCTTCTCGGGGCAGGGGCTG-3'
Protein context (NP_065873.2, residues 623-643): FYINITKEEN[Ser633=]AFIFKQEEKR

ClinVar aggregate classification (germline): Conflicting classifications of pathogenicity. Review status: criteria provided, conflicting classifications (1 of 4 stars). 5 submissions from 5 submitters: Uncertain significance (1); Likely benign (4). Last evaluated 2026-08-01.

Conditions:
Autosomal dominant nocturnal frontal lobe epilepsy 5. Also called: KCNT1-Related Epilepsy; CILIARY DYSKINESIA, PRIMARY, 28, WITHOUT SITUS INVERSUS; CILIARY DYSKINESIA, PRIMARY, 28, WITH SITUS INVERSUS; Epilepsy, nocturnal frontal lobe, 5. Identifiers: Orphanet 98784, MedGen C3554306, MONDO:0014002, OMIM 615005.
Developmental and epileptic encephalopathy, 14 (DEE14). Also called: Early infantile epileptic encephalopathy 14. Identifiers: Orphanet 293181, MedGen C3554195, MONDO:0013989, OMIM 614959.

Allele frequency attached by ClinVar (database versions not stated): gnomAD 0.00012 and 0.00015; TOPMed 0.00012; gnomAD exomes 0.00014 and 0.00015; ESP Exome Variant Server 0.00015; ExAC 0.00019.
gnomAD v4.1: 221 of 1,613,792 alleles (0.014%); highest among the groups gnomAD compares: South Asian, 0.044%; 1 homozygote.

Submissions (5):

CeGaT Center for Human Genetics Tuebingen
Classification: Likely benign. Last evaluated: 2026-08-01. Review status: criteria provided, single submitter. Criteria: CeGaT Center For Human Genetics Tuebingen Variant Classification Criteria Version 2. Collection method: clinical testing. Allele origin: germline. Affected: yes. Observed: 10 variant alleles.
Comment: KCNT1: BP4, BP7

Labcorp Genetics (formerly Invitae), Labcorp
Classification: Likely benign for Autosomal dominant nocturnal frontal lobe epilepsy 5; Developmental and epileptic encephalopathy, 14. Last evaluated: 2026-01-28. Review status: criteria provided, single submitter. Criteria: Invitae Variant Classification Sherloc (09022015). Collection method: clinical testing. Allele origin: germline.

Blueprint Genetics
Classification: Likely benign. Last evaluated: 2024-11-07. Review status: criteria provided, single submitter. Criteria: ACMG Guidelines, 2015. Collection method: clinical testing. Allele origin: germline.

GeneDx
Classification: Likely benign. Last evaluated: 2019-08-29. Review status: criteria provided, single submitter. Criteria: GeneDx Variant Classification Process June 2021. Collection method: clinical testing. Allele origin: germline. Affected: yes.

Eurofins Ntd Llc (ga)
Classification: Uncertain significance. Last evaluated: 2014-11-12. Review status: criteria provided, single submitter. Criteria: EGL Classification Definitions 2015. Collection method: clinical testing. Allele origin: germline. Observed: 1 variant allele, 1 heterozygote.